The following is an entry in ClinVar:

NM_004329.3(BMPR1A):c.431-3C>T

Gene: BMPR1A (bone morphogenetic protein receptor type 1A; plus strand). Cytogenetic location: 10q23.2.
Variant type: single nucleotide variant.
Coding change: c.431-3C>T on transcript NM_004329.3 (MANE Select); 3 bases into the intron before coding-DNA position 431, C replaced by T.
Molecular consequence: intron variant.
Genome position (GRCh38, 1-based): chr10:86,900,024, C>T. VCF-style: chr10-86900024-C-T. GRCh37 (hg19) VCF-style: chr10-88659781-C-T.
Identifiers: ClinVar variation 655326 (VCV000655326.10), dbSNP rs876659613, ClinGen allele CA915947540.
Genomic context (GRCh38, chr10:86,900,024, plus strand): 5'-GAATTGAACACGTCAGATTATTTTTTCATTTCAATTGTTTACATTGTTTACTTTTATTGT[C>T]AGGTCCGTTTTTTGATGGCAGCATTCGATGGCTGGTTTTGCTCATTTCTATGGCTGTCTG-3'

ClinVar aggregate classification (germline): Uncertain significance (1 of 4 stars; one submission).

Conditions:
Juvenile polyposis syndrome (JPS). Identifiers: Orphanet 2929, MedGen C0345893, MONDO:0017380, OMIM 174900.

Submission:

Labcorp Genetics (formerly Invitae), Labcorp
Classification: Uncertain significance for Juvenile polyposis syndrome. Last evaluated: 2018-09-16. Review status: criteria provided, single submitter. Criteria: Invitae Variant Classification Sherloc (09022015). Collection method: clinical testing. Allele origin: germline.
Comment: In summary, the available evidence is currently insufficient to determine the role of this variant in disease. Therefore, it has been classified as a Variant of Uncertain Significance. Nucleotide substitutions within the consensus splice site are a relatively common cause of aberrant splicing (PMID: 17576681, 9536098). Algorithms developed to predict the effect of sequence changes on RNA splicing suggest that this variant is not likely to affect RNA splicing, but this prediction has not been confirmed by published transcriptional studies. This variant has not been reported in the literature in individuals with BMPR1A-related disease. This variant is not present in population databases (ExAC no frequency). This sequence change falls in intron 6 of the BMPR1A gene. It does not directly change the encoded amino acid sequence of the BMPR1A protein, but it affects a nucleotide within the consensus splice site of the intron.

Literature cited by the submitters: PubMed 17576681; PubMed 9536098.